The following is an entry in ClinVar:

NM_001242896.3(DEPDC5):c.3875A>C (p.Lys1292Thr)

Gene: DEPDC5 (DEP domain containing 5, GATOR1 subcomplex subunit; plus strand). Cytogenetic location: 22q12.3.
Variant type: single nucleotide variant.
Coding change: c.3875A>C on transcript NM_001242896.3 (MANE Select); coding-DNA position 3875, A replaced by C.
Protein change: p.Lys1292Thr; replaces lysine 1292 with threonine.
Molecular consequence: missense variant. On other transcripts: non-coding transcript variant (5).
Genome position (GRCh38, 1-based): chr22:31,879,594, A>C. VCF-style: chr22-31879594-A-C. GRCh37 (hg19) VCF-style: chr22-32275580-A-C.
Other names: c.3848A>C, p.Lys1283Thr (NM_001136029.4); c.3575A>C, p.Lys1192Thr (NM_001242897.2); c.3809A>C, p.Lys1270Thr (NM_001363852.2, NM_001364320.2); c.3641A>C, p.Lys1214Thr (NM_001363854.2, NM_001364319.2); c.3875A>C, p.Lys1292Thr (NM_001364318.2); c.3791A>C, p.Lys1264Thr (NM_001369901.1, NM_001369902.1); c.3782A>C, p.Lys1261Thr (NM_001369903.1, NM_014662.6); short protein forms K1264T, K1283T, K1292T, K1214T, K1261T, K1270T, K1192T.
Identifiers: ClinVar variation 647605 (VCV000647605.1), dbSNP rs1602677961, ClinGen allele CA411282042.

ClinVar aggregate classification (germline): Uncertain significance (1 of 4 stars; one submission).

Conditions:
Epilepsy, familial focal, with variable foci 1 (FFEVF1). Also called: DEPDC5-Related Epilepsy. Identifiers: MedGen C4551983, MONDO:0024556, OMIM 604364.

Submission:

Labcorp Genetics (formerly Invitae), Labcorp
Classification: Uncertain significance for Familial focal epilepsy with variable foci. Last evaluated: 2018-08-10. Review status: criteria provided, single submitter. Criteria: Invitae Variant Classification Sherloc (09022015). Collection method: clinical testing. Allele origin: germline.
Comment: This sequence change replaces lysine with threonine at codon 1292 of the DEPDC5 protein (p.Lys1292Thr). The lysine residue is highly conserved and there is a moderate physicochemical difference between lysine and threonine. This variant is not present in population databases (ExAC no frequency). This variant has not been reported in the literature in individuals with DEPDC5-related disease. Algorithms developed to predict the effect of missense changes on protein structure and function are either unavailable or do not agree on the potential impact of this missense change (SIFT: "Tolerated"; PolyPhen-2: "No result"; Align-GVGD: "Class C0"). In summary, the available evidence is currently insufficient to determine the role of this variant in disease. Therefore, it has been classified as a Variant of Uncertain Significance.